The following is an entry in ClinVar:

ClinVar aggregate classification (germline): Uncertain significance (1 of 4 stars; one submission).

Conditions:
Autosomal recessive limb-girdle muscular dystrophy type 2F (LGMDR6). Also called: Muscular dystrophy limb-girdle with delta-sarcoglyan deficiency; MUSCULAR DYSTROPHY, LIMB-GIRDLE, AUTOSOMAL RECESSIVE 6. Identifiers: Orphanet 219, MedGen C1832525, MONDO:0011028, OMIM 601287. Disease mechanism: Affects gamma-sarcoglycan and also disrupts the integrity of the entire sarcoglycan complex..

Submission:

Labcorp Genetics (formerly Invitae), Labcorp
Classification: Uncertain significance for Autosomal recessive limb-girdle muscular dystrophy type 2F. Last evaluated: 2021-09-17. Review status: criteria provided, single submitter. Criteria: Invitae Variant Classification Sherloc (09022015). Collection method: clinical testing. Allele origin: germline.
Comment: This sequence change replaces threonine with serine at codon 119 of the SGCD protein (p.Thr119Ser). The threonine residue is moderately conserved and there is a small physicochemical difference between threonine and serine. This variant is not present in population databases (ExAC no frequency). This variant has not been reported in the literature in individuals with SGCD-related conditions. Algorithms developed to predict the effect of missense changes on protein structure and function (SIFT, PolyPhen-2, Align-GVGD) all suggest that this variant is likely to be tolerated, but these predictions have not been confirmed by published functional studies and their clinical significance is uncertain. In summary, the available evidence is currently insufficient to determine the role of this variant in disease. Therefore, it has been classified as a Variant of Uncertain Significance.

NM_000337.6(SGCD):c.356C>G (p.Thr119Ser)

Gene: SGCD (sarcoglycan delta; plus strand). Cytogenetic location: 5q33.3.
Variant type: single nucleotide variant.
Coding change: c.356C>G on transcript NM_000337.6 (MANE Select); coding-DNA position 356, C replaced by G.
Protein change: p.Thr119Ser; replaces threonine 119 with serine.
Molecular consequence: missense variant.
Genome position (GRCh38, 1-based): chr5:156,589,292, C>G. VCF-style: chr5-156589292-C-G. GRCh37 (hg19) VCF-style: chr5-156016302-C-G.
Other names: c.353C>G, p.Thr118Ser (NM_001128209.2); c.356C>G, p.Thr119Ser (NM_172244.3); short protein forms T118S, T119S.
Identifiers: ClinVar variation 1394009 (VCV001394009.5), dbSNP rs1581216333, ClinGen allele CA362008701.